The following is an entry in ClinVar:

ClinVar aggregate classification (germline): Likely benign (1 of 4 stars; one submission).

Allele frequency attached by ClinVar (database versions not stated): 1000 Genomes Project 30x 0.00016; 1000 Genomes Project 0.00020.
gnomAD v4.1: 2 of 1,613,348 alleles (0.00012%); highest among the groups gnomAD compares: African/African-American, 0.0013%; no homozygotes.

Submission:

CeGaT Center for Human Genetics Tuebingen
Classification: Likely benign. Last evaluated: 2024-03-01. Review status: criteria provided, single submitter. Criteria: CeGaT Center For Human Genetics Tuebingen Variant Classification Criteria Version 2. Collection method: clinical testing. Allele origin: germline. Affected: yes. Observed: 1 variant allele.
Comment: KMT2B: BP4, BP7

NM_014727.3(KMT2B):c.2289G>T (p.Pro763=)

Gene: KMT2B (lysine methyltransferase 2B; plus strand). Cytogenetic location: 19q13.12.
Variant type: single nucleotide variant.
Coding change: c.2289G>T on transcript NM_014727.3 (MANE Select); coding-DNA position 2289, G replaced by T.
Protein change: p.Pro763=; no amino-acid change (proline 763 retained).
Molecular consequence: synonymous variant.
Genome position (GRCh38, 1-based): chr19:35,721,636, G>T. VCF-style: chr19-35721636-G-T. GRCh37 (hg19) VCF-style: chr19-36212538-G-T.
Identifiers: ClinVar variation 3067471 (VCV003067471.21), dbSNP rs200332721, ClinGen allele CA9384397.